The following is an entry in ClinVar:

NM_052989.3(IFT122):c.592_595del (p.Glu198fs)

Gene: IFT122 (intraflagellar transport 122; plus strand). Cytogenetic location: 3q21.3.
Variant type: Microsatellite.
Coding change: c.592_595del on transcript NM_052989.3 (MANE Select); coding-DNA positions 592 to 595, 4 bases deleted (GAGA; older notation c.592_595delGAGA).
Protein change: p.Glu198fs; shifts the reading frame from glutamic acid 198.
Molecular consequence: frameshift variant. On other transcripts: intron variant (9).
Genome position (GRCh38, 1-based): chr3:129,466,918-129,466,921, GAGA deleted; deleting any 4 consecutive bases within chr3:129,466,915-129,466,921 gives the same sequence; the c. name uses the placement nearest the transcript's 3' end. VCF-style (leftmost placement, unchanged base first): chr3-129466914-CAGAG-C. GRCh37 (hg19) VCF-style: chr3-129185757-CAGAG-C.
Other names: c.142_145del, p.Glu48fs (NM_001280545.2); c.592_595del, p.Glu198fs (NM_001410808.1, NM_001410809.1); c.745_748del, p.Glu249fs (NM_052985.4); c.716+2137_716+2140del (NM_001280541.2); c.563+2137_563+2140del (NM_001410810.1, NM_018262.4, NM_001410811.1 and 1 more transcripts); c.113+2137_113+2140del (NM_001280546.2); c.407+2137_407+2140del (NM_052990.3, NM_001410815.1, NM_001410817.1); short protein forms E249fs, E198fs, E48fs.
Identifiers: ClinVar variation 3588403 (VCV003588403.2).

ClinVar aggregate classification (germline): Pathogenic/Likely pathogenic. Review status: criteria provided, multiple submitters, no conflicts (2 of 4 stars). 2 submissions from 2 submitters: Pathogenic (1); Likely pathogenic (1). Last evaluated 2025-11-13.

Conditions:
Cranioectodermal dysplasia 1 (CED1). Also called: LEVIN SYNDROME I. Identifiers: Orphanet 1515, MedGen C0432235, MONDO:0021093, OMIM 218330.

Submissions (2):

Labcorp Genetics (formerly Invitae), Labcorp
Classification: Pathogenic for Cranioectodermal dysplasia 1. Last evaluated: 2025-11-13. Review status: criteria provided, single submitter. Criteria: Invitae Variant Classification Sherloc (09022015). Collection method: clinical testing. Allele origin: germline.
Comment: This sequence change creates a premature translational stop signal (p.Glu249Metfs*20) in the IFT122 gene. It is expected to result in an absent or disrupted protein product. Loss-of-function variants in IFT122 are known to be pathogenic (PMID: 20493458, 23826986, 26792575). This variant is not present in population databases (gnomAD no frequency). This variant has not been reported in the literature in individuals affected with IFT122-related conditions. For these reasons, this variant has been classified as Pathogenic.

Fulgent Genetics
Classification: Likely pathogenic for Cranioectodermal dysplasia 1. Last evaluated: 2024-05-14. Review status: criteria provided, single submitter. Criteria: ACMG Guidelines, 2015. Collection method: clinical testing. Allele origin: germline.

Literature cited by the submitters: PubMed 20493458 (cited by Labcorp Genetics (formerly Invitae), Labcorp); PubMed 23826986 (cited by Labcorp Genetics (formerly Invitae), Labcorp); PubMed 26792575 (cited by Labcorp Genetics (formerly Invitae), Labcorp).